The following is an entry in ClinVar:

NM_001267550.2(TTN):c.84373T>C (p.Tyr28125His)

Genes: TTN-AS1 (TTN antisense RNA 1; plus strand), TTN (titin; minus strand). Cytogenetic location: 2q31.2.
Variant type: single nucleotide variant.
Coding change: c.84373T>C on transcript NM_001267550.2 (MANE Select); coding-DNA position 84373, T replaced by C.
Protein change: p.Tyr28125His; replaces tyrosine 28125 with histidine.
Molecular consequence: missense variant.
Genome position (GRCh38, 1-based): chr2:178,561,759, A>G on the plus strand (T>C on the coding strand, the complement: TTN is on the minus strand). VCF-style: chr2-178561759-A-G. GRCh37 (hg19) VCF-style: chr2-179426486-A-G.
Other names: c.79450T>C, p.Tyr26484His (NM_001256850.1); c.57178T>C, p.Tyr19060His (NM_003319.4); c.76669T>C, p.Tyr25557His (NM_133378.4); c.57553T>C, p.Tyr19185His (NM_133432.3); c.57754T>C, p.Tyr19252His (NM_133437.4); short protein forms Y19060H, Y19185H, Y19252H, Y25557H, Y26484H, Y28125H.
Identifiers: ClinVar variation 4085963 (VCV004085963.8).

ClinVar aggregate classification (germline): Uncertain significance (1 of 4 stars; one submission).

Submission:

CeGaT Center for Human Genetics Tuebingen
Classification: Uncertain significance. Last evaluated: 2025-08-01. Review status: criteria provided, single submitter. Criteria: CeGaT Center For Human Genetics Tuebingen Variant Classification Criteria Version 2. Collection method: clinical testing. Allele origin: germline. Affected: yes. Observed: 1 variant allele.
Comment: TTN: PM2, PP3